The following is an entry in ClinVar:

ClinVar aggregate classification (germline): Uncertain significance. Review status: criteria provided, multiple submitters, no conflicts (2 of 4 stars). 3 submissions from 3 submitters: Uncertain significance (3). Last evaluated 2025-04-24.

Conditions:
PKHD1-related disorder. Also called: PKHD1-related condition.
Polycystic kidney disease 4 (PKD4). Also called: POLYCYSTIC KIDNEY AND HEPATIC DISEASE 1; POLYCYSTIC KIDNEY DISEASE, INFANTILE, TYPE I; POLYCYSTIC KIDNEY DISEASE 4 WITH OR WITHOUT POLYCYSTIC LIVER DISEASE; PKD3; Autosomal Recessive Polycystic Kidney Disease – PKHD1. Identifiers: MedGen C4540575, MONDO:0033004, OMIM 263200.

Allele frequency attached by ClinVar (database versions not stated): gnomAD exomes below 0.00001; TOPMed below 0.00001; gnomAD 0.00003.
gnomAD v4.1: 8 of 1,604,692 alleles (0.0005%); highest among the groups gnomAD compares: Non-Finnish European, 0.0006%; no homozygotes.

Submissions (3):

PreventionGenetics, part of Exact Sciences
Classification: Uncertain significance for PKHD1-related condition. Last evaluated: 2025-04-24. Review status: criteria provided, single submitter. Criteria: ACMG Guidelines, 2015. Collection method: clinical testing. Allele origin: germline.
Comment: The PKHD1 c.122T>G variant is predicted to result in the amino acid substitution p.Ile41Ser. To our knowledge, this variant has not been reported in the literature. This variant is reported in 0.0015% of alleles in individuals of European (Non-Finnish) descent in gnomAD. At this time, the clinical significance of this variant is uncertain due to the absence of conclusive functional and genetic evidence.

Fulgent Genetics
Classification: Uncertain significance for Polycystic kidney disease 4. Last evaluated: 2024-04-11. Review status: criteria provided, single submitter. Criteria: ACMG Guidelines, 2015. Collection method: clinical testing. Allele origin: germline.

Eurofins Ntd Llc (ga)
Classification: Uncertain significance. Last evaluated: 2016-03-16. Review status: criteria provided, single submitter. Criteria: EGL Classification Definitions 2015. Collection method: clinical testing. Allele origin: germline. Observed: 1 variant allele, 1 heterozygote.

NM_138694.4(PKHD1):c.122T>G (p.Ile41Ser)

Gene: PKHD1 (PKHD1 ciliary IPT domain containing fibrocystin/polyductin; minus strand). Cytogenetic location: 6p12.2.
Variant type: single nucleotide variant.
Coding change: c.122T>G on transcript NM_138694.4 (MANE Select); coding-DNA position 122, T replaced by G.
Protein change: p.Ile41Ser; replaces isoleucine 41 with serine.
Molecular consequence: missense variant.
Genome position (GRCh38, 1-based): chr6:52,083,186, A>C on the plus strand (T>G on the coding strand, the complement: PKHD1 is on the minus strand). VCF-style: chr6-52083186-A-C. GRCh37 (hg19) VCF-style: chr6-51947984-A-C.
Other names: c.122T>G (NM_138694.3); c.122T>G, p.Ile41Ser (NM_170724.3); short protein forms I41S.
Identifiers: ClinVar variation 286937 (VCV000286937.7), dbSNP rs886043527, ClinGen allele CA10605622.